The following is an entry in ClinVar:

NM_017763.6(RNF43):c.2326G>A (p.Glu776Lys)

Gene: RNF43 (ring finger protein 43; minus strand). Cytogenetic location: 17q22.
Variant type: single nucleotide variant.
Coding change: c.2326G>A on transcript NM_017763.6 (MANE Select); coding-DNA position 2326, G replaced by A.
Protein change: p.Glu776Lys; replaces glutamic acid 776 with lysine.
Molecular consequence: missense variant.
Genome position (GRCh38, 1-based): chr17:58,354,969, C>T on the plus strand (G>A on the coding strand, the complement: RNF43 is on the minus strand). VCF-style: chr17-58354969-C-T. GRCh37 (hg19) VCF-style: chr17-56432330-C-T.
Other names: c.2326G>A (NM_017763.4); c.2326G>A, p.Glu776Lys (NM_001305544.3); c.1945G>A, p.Glu649Lys (NM_001305545.2); short protein forms E649K, E776K.
Identifiers: ClinVar variation 1026449 (VCV001026449.11), dbSNP rs771349279, ClinGen allele CA8672989.

ClinVar aggregate classification (germline): Uncertain significance. Review status: criteria provided, multiple submitters, no conflicts (2 of 4 stars). 4 submissions from 4 submitters: Uncertain significance (4). Last evaluated 2025-01-04.

Conditions:
Sessile serrated polyposis cancer syndrome (SSPCS). Identifiers: Orphanet 157798, MedGen C4310714, MONDO:0014919, OMIM 617108.

Allele frequency attached by ClinVar (database versions not stated): ExAC 0.00002; gnomAD exomes 0.00002; TOPMed 0.00002; gnomAD 0.00003.
gnomAD v4.1: 17 of 1,613,940 alleles (0.0011%); highest among the groups gnomAD compares: East Asian, 0.0022%; no homozygotes.

Submissions (4):

Labcorp Genetics (formerly Invitae), Labcorp
Classification: Uncertain significance. Last evaluated: 2025-01-04. Review status: criteria provided, single submitter. Criteria: Invitae Variant Classification Sherloc (09022015). Collection method: clinical testing. Allele origin: germline.
Comment: This sequence change replaces glutamic acid, which is acidic and polar, with lysine, which is basic and polar, at codon 776 of the RNF43 protein (p.Glu776Lys). This variant is present in population databases (rs771349279, gnomAD 0.003%). This variant has not been reported in the literature in individuals affected with RNF43-related conditions. ClinVar contains an entry for this variant (Variation ID: 1026449). An algorithm developed to predict the effect of missense changes on protein structure and function (PolyPhen-2) suggests that this variant is likely to be disruptive. In summary, the available evidence is currently insufficient to determine the role of this variant in disease. Therefore, it has been classified as a Variant of Uncertain Significance.

Ambry Genetics
Classification: Uncertain significance. Last evaluated: 2024-12-15. Review status: criteria provided, single submitter. Criteria: Ambry Variant Classification Scheme 2023. Collection method: clinical testing. Allele origin: germline.
Comment: The p.E776K variant (also known as c.2326G>A), located in coding exon 9 of the RNF43 gene, results from a G to A substitution at nucleotide position 2326. The glutamic acid at codon 776 is replaced by lysine, an amino acid with similar properties. This amino acid position is conserved. In addition, this alteration is predicted to be tolerated by in silico analysis. Based on the available evidence, the clinical significance of this variant remains unclear.

Baylor Genetics
Classification: Uncertain significance for Sessile serrated polyposis cancer syndrome. Last evaluated: 2024-03-12. Review status: criteria provided, single submitter. Criteria: ACMG Guidelines, 2015. Collection method: clinical testing. Allele origin: unknown.

GeneDx
Classification: Uncertain significance. Last evaluated: 2023-07-19. Review status: criteria provided, single submitter. Criteria: GeneDx Variant Classification Process June 2021. Collection method: clinical testing. Allele origin: germline. Affected: yes.
Comment: Not observed at significant frequency in large population cohorts (gnomAD); In silico analysis supports that this missense variant does not alter protein structure/function; Has not been previously published as pathogenic or benign to our knowledge; Variants in candidate genes are classified as variants of uncertain significance in accordance with ACMG guidelines (Richards et al., 2015)